The following is an entry in ClinVar:

NM_024426.6(WT1):c.785-14G>C

Gene: WT1 (WT1 transcription factor; minus strand). Cytogenetic location: 11p13.
Variant type: single nucleotide variant.
Coding change: c.785-14G>C on transcript NM_024426.6 (MANE Select); 14 bases into the intron before coding-DNA position 785, G replaced by C.
Molecular consequence: intron variant.
Genome position (GRCh38, 1-based): chr11:32,428,072, C>G on the plus strand (G>C on the coding strand, the complement: WT1 is on the minus strand). VCF-style: chr11-32428072-C-G. GRCh37 (hg19) VCF-style: chr11-32449618-C-G.
Other names: c.770-14G>C (NM_024426.4); c.662-14G>C (NM_001407050.1, NM_001407047.1); c.785-14G>C (NM_001407048.1, NM_001407049.1, NM_000378.6 and 4 more transcripts); c.23-14G>C (NM_001407051.1); c.134-14G>C (NM_001198552.2, NM_001198551.2).
Identifiers: ClinVar variation 1209910 (VCV001209910.24), dbSNP rs375514482, ClinGen allele CA065597.

ClinVar aggregate classification (germline): Likely benign. Review status: criteria provided, multiple submitters, no conflicts (2 of 4 stars). 7 submissions from 7 submitters: Likely benign (4). 3 of the submissions do not count toward it. Last evaluated 2025-12-02.

Conditions:
Wilms tumor 1 (WT1). Also called: Wilms tumor, somatic. Identifiers: Orphanet 654, MedGen CN033288, MONDO:0008679, OMIM 194070.
11p partial monosomy syndrome (WAGR). Also called: CHROMOSOME 11p13 DELETION SYNDROME; WAGR Spectrum Disorder; WAGR syndrome; WAGR Complex. Identifiers: Orphanet 893, MedGen C0206115, MONDO:0008681, OMIM 194072.
Drash syndrome (DDS). Also called: NEPHROPATHY, WILMS TUMOR, AND GENITAL ANOMALIES; WILMS TUMOR AND PSEUDO- OR TRUE HERMAPHRODITISM. Identifiers: Orphanet 220, MedGen C0950121, MONDO:0008682, OMIM 194080.
Frasier syndrome. Identifiers: Orphanet 347, MedGen C0950122, MeSH D052159, MONDO:0007635, OMIM 136680.

gnomAD v4.1: 64 of 1,589,420 alleles (0.004%); highest among the groups gnomAD compares: Non-Finnish European, 0.0052%; no homozygotes.

Submissions (7):

Labcorp Genetics (formerly Invitae), Labcorp
Classification: Likely benign for Wilms tumor 1; Drash syndrome; 11p partial monosomy syndrome; Frasier syndrome. Last evaluated: 2025-12-02. Review status: criteria provided, single submitter. Criteria: Invitae Variant Classification Sherloc (09022015). Collection method: clinical testing. Allele origin: germline.

All of Us Research Program, National Institutes of Health
Classification: Likely benign for Wilms tumor 1. Last evaluated: 2023-12-14. Review status: criteria provided, single submitter. Criteria: ACMG Guidelines, 2015. Collection method: clinical testing. Allele origin: germline. Inheritance: Autosomal dominant inheritance. Observed: 11 variant alleles, 11 heterozygotes.
Comment: This study involves interpretation of variants in research participants for the purpose of population health screening. Participant phenotype was not available at the time of variant classification. Additional details can be found in publication PMID: 35346344, PMCID: PMC8962531

Color Diagnostics, LLC DBA Color Health
Classification: Likely benign for Wilms tumor 1. Last evaluated: 2023-05-26. Review status: criteria provided, single submitter. Criteria: ACMG Guidelines, 2015. Collection method: clinical testing. Allele origin: germline.

Blueprint Genetics
Classification: Likely benign. Last evaluated: 2023-03-22. Review status: criteria provided, single submitter. Criteria: ACMG Guidelines, 2015. Collection method: clinical testing. Allele origin: germline.

Genome Diagnostics Laboratory, Amsterdam University Medical Center
Classification: Likely benign. Review status: no assertion criteria provided. Collection method: clinical testing. Allele origin: germline. Affected: yes. Study: VKGL Data-share Consensus. Not counted in ClinVar's aggregate classification.

Genome Diagnostics Laboratory, University Medical Center Utrecht
Classification: Likely benign. Review status: no assertion criteria provided. Collection method: clinical testing. Allele origin: germline. Affected: yes. Study: VKGL Data-share Consensus. Not counted in ClinVar's aggregate classification.

Laboratory of Diagnostic Genome Analysis, Leiden University Medical Center (LUMC)
Classification: Likely benign. Review status: no assertion criteria provided. Collection method: clinical testing. Allele origin: germline. Affected: yes. Study: VKGL Data-share Consensus. Not counted in ClinVar's aggregate classification.